The following is an entry in ClinVar:

ClinVar aggregate classification (germline): Uncertain significance (1 of 4 stars; one submission).

Conditions:
Muscular dystrophy-dystroglycanopathy (congenital with brain and eye anomalies), type a, 11 (MDDGA11). Also called: WALKER-WARBURG SYNDROME OR MUSCLE-EYE-BRAIN DISEASE, B3GALNT2-RELATED; Congenital muscular dystrophy-dystroglycanopathy with brain and eye anomalies, type A11; Muscular dystrophy-dystroglycanopathy (congenital with brain and eye anomalies, type A, 11. Identifiers: Orphanet 588, Orphanet 899, MedGen C3554638, MONDO:0014071, OMIM 615181.

Allele frequency attached by ClinVar (database versions not stated): gnomAD exomes below 0.00001; ExAC 0.00001.

Submission:

Labcorp Genetics (formerly Invitae), Labcorp
Classification: Uncertain significance for Muscular dystrophy-dystroglycanopathy (congenital with brain and eye anomalies), type a, 11. Last evaluated: 2025-01-06. Review status: criteria provided, single submitter. Criteria: Invitae Variant Classification Sherloc (09022015). Collection method: clinical testing. Allele origin: germline.
Comment: This sequence change falls in intron 8 of the B3GALNT2 gene. It does not directly change the encoded amino acid sequence of the B3GALNT2 protein. It affects a nucleotide within the consensus splice site. This variant is not present in population databases (gnomAD no frequency). This variant has not been reported in the literature in individuals affected with B3GALNT2-related conditions. ClinVar contains an entry for this variant (Variation ID: 1465818). Variants that disrupt the consensus splice site are a relatively common cause of aberrant splicing (PMID: 17576681, 9536098). Algorithms developed to predict the effect of sequence changes on RNA splicing suggest that this variant is not likely to affect RNA splicing. In summary, the available evidence is currently insufficient to determine the role of this variant in disease. Therefore, it has been classified as a Variant of Uncertain Significance.

Literature cited by the submitters: PubMed 17576681; PubMed 9536098.

NM_152490.5(B3GALNT2):c.1025+4G>C

Gene: B3GALNT2 (beta-1,3-N-acetylgalactosaminyltransferase 2; minus strand). Cytogenetic location: 1q42.3.
Variant type: single nucleotide variant.
Coding change: c.1025+4G>C on transcript NM_152490.5 (MANE Select); 4 bases into the intron after coding-DNA position 1025, G replaced by C.
Molecular consequence: intron variant.
Genome position (GRCh38, 1-based): chr1:235,458,599, C>G on the plus strand (G>C on the coding strand, the complement: B3GALNT2 is on the minus strand). VCF-style: chr1-235458599-C-G. GRCh37 (hg19) VCF-style: chr1-235621907-C-G.
Identifiers: ClinVar variation 1465818 (VCV001465818.6), dbSNP rs770371145, ClinGen allele CA1464730.